The following is an entry in ClinVar:

ClinVar aggregate classification (germline): Pathogenic. Review status: criteria provided, multiple submitters, no conflicts (2 of 4 stars). 2 submissions from 2 submitters: Pathogenic (2). Last evaluated 2024-08-21.

Conditions:
Familial X-linked hypophosphatemic vitamin D refractory rickets (XLHRD). Also called: HYPOPHOSPHATEMIC VITAMIN D-RESISTANT RICKETS; Hypophosphatemia, vitamin D-resistant rickets; Vitamin D-resistant rickets, X-linked; X-Linked Hypophosphatemia; Hypophosphatemic Rickets, X-Linked Dominant. Identifiers: Orphanet 89936, MedGen C0733682, MONDO:0010619, OMIM 307800.

Submissions (2):

Labcorp Genetics (formerly Invitae), Labcorp
Classification: Pathogenic. Last evaluated: 2024-08-21. Review status: criteria provided, single submitter. Criteria: Invitae Variant Classification Sherloc (09022015). Collection method: clinical testing. Allele origin: germline.
Comment: This sequence change creates a premature translational stop signal (p.Glu609*) in the PHEX gene. It is expected to result in an absent or disrupted protein product. Loss-of-function variants in PHEX are known to be pathogenic (PMID: 9097956, 9106524, 19219621). This variant is not present in population databases (gnomAD no frequency). This premature translational stop signal has been observed in individual(s) with hypophosphatemic rickets (PMID: 21902834). ClinVar contains an entry for this variant (Variation ID: 803768). Algorithms developed to predict the effect of sequence changes on RNA splicing suggest that this variant may disrupt the consensus splice site. For these reasons, this variant has been classified as Pathogenic.

Mendelics
Classification: Pathogenic for Familial X-linked hypophosphatemic vitamin D refractory rickets. Last evaluated: 2019-05-28. Review status: criteria provided, single submitter. Criteria: Mendelics Assertion Criteria 2017. Collection method: clinical testing. Allele origin: unknown.

Literature cited by the submitters: PubMed 9097956 (cited by Labcorp Genetics (formerly Invitae), Labcorp); PubMed 9106524 (cited by Labcorp Genetics (formerly Invitae), Labcorp); PubMed 19219621 (cited by Labcorp Genetics (formerly Invitae), Labcorp); PubMed 21902834 (cited by Labcorp Genetics (formerly Invitae), Labcorp).

NM_000444.6(PHEX):c.1825G>T (p.Glu609Ter)

Genes: PHEX (phosphate regulating endopeptidase X-linked; plus strand), PTCHD1-AS (PTCHD1 and PHEX antisense RNA; minus strand). Cytogenetic location: Xp22.11.
Variant type: single nucleotide variant.
Coding change: c.1825G>T on transcript NM_000444.6 (MANE Select); coding-DNA position 1825, G replaced by T.
Protein change: p.Glu609Ter; replaces glutamic acid 609 with a stop codon.
Molecular consequence: nonsense.
Genome position (GRCh38, 1-based): chrX:22,221,669, G>T. VCF-style: chrX-22221669-G-T. GRCh37 (hg19) VCF-style: chrX-22239786-G-T.
Other names: c.1825G>T, p.Glu609Ter (NM_001282754.2); short protein forms E609*.
Identifiers: ClinVar variation 803768 (VCV000803768.3), dbSNP rs1602405239, ClinGen allele CA412573656.